The following is an entry in ClinVar:

NM_001232.4(CASQ2):c.939+1G>A

Gene: CASQ2 (calsequestrin 2; minus strand). Cytogenetic location: 1p13.1.
Variant type: single nucleotide variant.
Coding change: c.939+1G>A on transcript NM_001232.4 (MANE Select); the canonical splice donor site of the intron after coding-DNA position 939, G replaced by A.
Molecular consequence: splice donor variant.
Genome position (GRCh38, 1-based): chr1:115,705,191, C>T on the plus strand (G>A on the coding strand, the complement: CASQ2 is on the minus strand). VCF-style: chr1-115705191-C-T. GRCh37 (hg19) VCF-style: chr1-116247812-C-T.
Identifiers: ClinVar variation 2754358 (VCV002754358.3), dbSNP rs905985075, ClinGen allele CA341766740.

ClinVar aggregate classification (germline): Likely pathogenic (1 of 4 stars; one submission).

Conditions:
Catecholaminergic polymorphic ventricular tachycardia 1. Also called: VENTRICULAR TACHYCARDIA, STRESS-INDUCED POLYMORPHIC 1; VENTRICULAR TACHYCARDIA, CATECHOLAMINERGIC POLYMORPHIC, 1, WITH OR WITHOUT ATRIAL DYSFUNCTION AND/OR DILATED CARDIOMYOPATHY; RYR2-Related Catecholaminergic Polymorphic Ventricular Tachycardia. Identifiers: Orphanet 3286, MedGen C1631597, MONDO:0011484, OMIM 604772.

Submission:

Labcorp Genetics (formerly Invitae), Labcorp
Classification: Likely pathogenic for Catecholaminergic polymorphic ventricular tachycardia 1. Last evaluated: 2023-08-31. Review status: criteria provided, single submitter. Criteria: Invitae Variant Classification Sherloc (09022015). Collection method: clinical testing. Allele origin: germline.
Comment: In summary, the currently available evidence indicates that the variant is pathogenic, but additional data are needed to prove that conclusively. Therefore, this variant has been classified as Likely Pathogenic. Algorithms developed to predict the effect of sequence changes on RNA splicing suggest that this variant may disrupt the consensus splice site. This variant has not been reported in the literature in individuals affected with CASQ2-related conditions. This variant is not present in population databases (gnomAD no frequency). This sequence change affects a donor splice site in intron 9 of the CASQ2 gene. It is expected to disrupt RNA splicing. Variants that disrupt the donor or acceptor splice site typically lead to a loss of protein function (PMID: 16199547), and loss-of-function variants in CASQ2 are known to be pathogenic (PMID: 12386154).

Literature cited by the submitters: PubMed 16199547; PubMed 12386154.